The following is an entry in ClinVar:

NM_005142.3(CBLIF):c.370+1G>C

Gene: CBLIF (cobalamin binding intrinsic factor; minus strand). Cytogenetic location: 11q12.1.
Variant type: single nucleotide variant.
Coding change: c.370+1G>C on transcript NM_005142.3 (MANE Select); the canonical splice donor site of the intron after coding-DNA position 370, G replaced by C.
Molecular consequence: splice donor variant.
Genome position (GRCh38, 1-based): chr11:59,843,027, C>G on the plus strand (G>C on the coding strand, the complement: CBLIF is on the minus strand). VCF-style: chr11-59843027-C-G. GRCh37 (hg19) VCF-style: chr11-59610500-C-G.
Identifiers: ClinVar variation 2431712 (VCV002431712.1), dbSNP rs1213702908, ClinGen allele CA380804280.
Genomic context (GRCh38, chr11:59,843,027, plus strand): 5'-TTTAAAATTCTTAGGTAAAACCATATGCCTGACTCTTTTCTCCCTTCCAGTCAGGTCTTA[C>G]TGGAAGGTGCCCAGTTCTCCATTTGTCTTTGTAGAATGGATACTTTATCCCCAGGGTCTC-3'

ClinVar aggregate classification (germline): Likely pathogenic (1 of 4 stars; one submission).

Conditions:
Hereditary intrinsic factor deficiency (IFD). Also called: PERNICIOUS ANEMIA, CONGENITAL, DUE TO DEFECT OF INTRINSIC FACTOR; Congenital intrinsic factor deficiency. Identifiers: Orphanet 332, MedGen C2062370, MONDO:0009852, OMIM 261000.

Submission:

Laboratorio de Genetica e Diagnostico Molecular, Hospital Israelita Albert Einstein
Classification: Likely pathogenic for Hereditary intrinsic factor deficiency. Last evaluated: 2022-08-23. Review status: criteria provided, single submitter. Criteria: ACMG Guidelines, 2015. Collection method: clinical testing. Allele origin: germline. Affected: yes. Observed: 1 variant allele.
Comment: ACMG classification criteria: PVS1 moderated, PM2 moderated, PM3 supporting, PP4